The following is an entry in ClinVar:

ClinVar aggregate classification (germline): Uncertain significance. Review status: criteria provided, multiple submitters, no conflicts (2 of 4 stars). 3 submissions from 3 submitters: Uncertain significance (3). Last evaluated 2021-07-29.

Conditions:
Perrault syndrome 1 (PRLTS1). Also called: GONADAL DYSGENESIS, XX TYPE, WITH DEAFNESS; OVARIAN DYSGENESIS WITH SENSORINEURAL DEAFNESS. Identifiers: Orphanet 2855, Orphanet 642945, MedGen C4551721, MONDO:0009300, OMIM 233400.
Bifunctional peroxisomal enzyme deficiency (DBIF). Also called: DBP DEFICIENCY; D-bifunctional protein deficiency; PBFE DEFICIENCY. Identifiers: Orphanet 300, MedGen C0342870, MONDO:0009855, OMIM 261515. Disease mechanism: loss of function.

Allele frequency attached by ClinVar (database versions not stated): gnomAD exomes below 0.00001.
gnomAD v4.1: 3 of 1,613,932 alleles (0.00019%); highest among the groups gnomAD compares: Non-Finnish European, 0.00017%; no homozygotes.

Submissions (3):

Diagnostics Services (NGS), CSIR - Centre For Cellular And Molecular Biology
Classification: Uncertain significance for Perrault syndrome 1. Last evaluated: 2021-07-29. Review status: criteria provided, single submitter. Criteria: ACMG Guidelines, 2015. Collection method: clinical testing. Allele origin: unknown. Inheritance: Autosomal recessive inheritance. Affected: yes. Observed: 1 variant allele, 1 heterozygote, 1 homozygote.
Comment: The c.1016A>G variant is not present in publicly available population databases like 1000 Genomes, Exome Variant Server (EVS), Exome Aggregation Consortium (ExAC), Genome Aggregation Database (gnomAD) and dbSNP. The variant is not present in Indian Exome Database and in our in-house exome database. The variant was not earlier reported to ClinVar, Human Genome Mutation Database (HGMD) and/or OMIM databases in any affected individuals. In-silico pathogenicity prediction programs like SIFT, PolyPhen-3, MutationTaster2, CADD etc. predicted this variant to be not likely deleterious. Varsome predicted this variant as VUS with some pathogenic evidences, however these predictions were not confirmed by any established functional studies. Due to lack of enough evidence the variant has been classified as likely pathogenic.

Neuberg Centre For Genomic Medicine, NCGM
Classification: Uncertain significance for Bifunctional peroxisomal enzyme deficiency. Review status: criteria provided, single submitter. Criteria: ACMG Guidelines, 2015. Collection method: clinical testing. Allele origin: germline. Inheritance: Autosomal recessive inheritance. Affected: yes.
Comment: The missense variant in c.1016A>G (p.Tyr339Cys) in HSD17B4 gene has not been reported previously as a pathogenic variant nor as a benign variant, to our knowledge. The p.Tyr339Cys variant is novel (not in any individuals) in gnomAD Exomes and 1000 Genomes. This variant has not been reported to the ClinVar database. The amino acid Tyr at position 339 is changed to a Cys changing protein sequence and it might alter its composition and physico-chemical properties. For these reasons, this variant has been classified as Uncertain Significance (VUS).

Suma Genomics
Classification: Uncertain significance for Bifunctional peroxisomal enzyme deficiency. Review status: criteria provided, single submitter. Criteria: ACMG Guidelines, 2015. Collection method: clinical testing. Allele origin: inherited. Inheritance: Autosomal recessive inheritance. Affected: yes.

Literature cited by the submitters: PubMed 33539324 (cited by Diagnostics Services (NGS), CSIR - Centre For Cellular And Molecular Biology).

NM_000414.4(HSD17B4):c.1016A>G (p.Tyr339Cys)

Gene: HSD17B4 (hydroxysteroid 17-beta dehydrogenase 4; plus strand). Cytogenetic location: 5q23.1.
Variant type: single nucleotide variant.
Coding change: c.1016A>G on transcript NM_000414.4 (MANE Select); coding-DNA position 1016, A replaced by G.
Protein change: p.Tyr339Cys; replaces tyrosine 339 with cysteine.
Molecular consequence: missense variant. On other transcripts: non-coding transcript variant (2).
Genome position (GRCh38, 1-based): chr5:119,499,360, A>G. VCF-style: chr5-119499360-A-G. GRCh37 (hg19) VCF-style: chr5-118835055-A-G.
Other names: c.1091A>G, p.Tyr364Cys (NM_001199291.3); c.962A>G, p.Tyr321Cys (NM_001199292.2); c.944A>G, p.Tyr315Cys (NM_001292027.2); c.596A>G, p.Tyr199Cys (NM_001292028.2); c.1007A>G, p.Tyr336Cys (NM_001374497.1); c.1016A>G, p.Tyr339Cys (NM_001374498.1); c.689A>G, p.Tyr230Cys (NM_001374499.1); c.575A>G, p.Tyr192Cys (NM_001374500.1); and 1 more; short protein forms Y192C, Y199C, Y202C, Y230C, Y315C, Y321C, Y336C, Y339C.
Identifiers: ClinVar variation 1329469 (VCV001329469.8), dbSNP rs2126780758, ClinGen allele CA360867941.